The following is an entry in ClinVar:

ClinVar aggregate classification (germline): Pathogenic (1 of 4 stars; one submission).

Conditions:
Bardet-Biedl syndrome (BBS). Identifiers: Orphanet 110, MedGen C0752166, MONDO:0015229.

gnomAD v4.1: 1 of 1,608,594 alleles (0.000062%); no homozygotes.

Submission:

Labcorp Genetics (formerly Invitae), Labcorp
Classification: Pathogenic for Bardet-Biedl syndrome. Last evaluated: 2023-08-04. Review status: criteria provided, single submitter. Criteria: Invitae Variant Classification Sherloc (09022015). Collection method: clinical testing. Allele origin: germline.
Comment: Algorithms developed to predict the effect of sequence changes on RNA splicing suggest that this variant may disrupt the consensus splice site. ClinVar contains an entry for this variant (Variation ID: 854552). For these reasons, this variant has been classified as Pathogenic. Disruption of this splice site has been observed in individual(s) with clinical features of Bardet-Biedl syndrome (Invitae). In at least one individual the data is consistent with being in trans (on the opposite chromosome) from a pathogenic variant. It has also been observed to segregate with disease in related individuals. This variant is not present in population databases (gnomAD no frequency). This sequence change affects an acceptor splice site in intron 2 of the BBS5 gene. It is expected to disrupt RNA splicing. Variants that disrupt the donor or acceptor splice site typically lead to a loss of protein function (PMID: 16199547), and loss-of-function variants in BBS5 are known to be pathogenic (PMID: 15137946, 16877420, 26325687, 27708425, 28041643, 29806606).

Literature cited by the submitters: PubMed 16199547; PubMed 15137946; PubMed 16877420; PubMed 26325687; PubMed 27708425; PubMed 28041643; PubMed 29806606.

NM_152384.3(BBS5):c.143-1G>A

Gene: BBS5 (Bardet-Biedl syndrome 5; plus strand). Cytogenetic location: 2q31.1.
Variant type: single nucleotide variant.
Coding change: c.143-1G>A on transcript NM_152384.3 (MANE Select); the canonical splice acceptor site of the intron before coding-DNA position 143, G replaced by A.
Molecular consequence: splice acceptor variant.
Genome position (GRCh38, 1-based): chr2:169,487,068, G>A. VCF-style: chr2-169487068-G-A. GRCh37 (hg19) VCF-style: chr2-170343578-G-A.
Identifiers: ClinVar variation 854552 (VCV000854552.10), dbSNP rs1054138918, ClinGen allele CA349160977.